The following is an entry in ClinVar:

ClinVar aggregate classification (germline): Uncertain significance (1 of 4 stars; one submission).

Conditions:
Malignant hyperthermia, susceptibility to, 1 (MHS1). Also called: Anesthesia related hyperthermia; Malignant hyperpyrexia; Fulminating hyperpyrexia; Pharmacogenic myopathy; RYR1-Related Malignant Hyperthermia Susceptibility; Malignant hyperthermia suceptibility 1. Identifiers: Orphanet 423, MedGen C2930980, MONDO:0007783, OMIM 145600.

Submission:

All of Us Research Program, National Institutes of Health
Classification: Uncertain significance for Malignant hyperthermia, susceptibility to, 1. Last evaluated: 2024-09-23. Review status: criteria provided, single submitter. Criteria: ACMG Guidelines, 2015. Collection method: clinical testing. Allele origin: germline. Inheritance: Autosomal dominant inheritance. Observed: 1 variant allele, 1 heterozygote.
Comment: This study involves interpretation of variants in research participants for the purpose of population health screening. Participant phenotype was not available at the time of variant classification. Additional details can be found in publication PMID: 35346344, PMCID: PMC8962531

NM_000540.3(RYR1):c.1576+5G>A

Gene: RYR1 (ryanodine receptor 1; plus strand). Cytogenetic location: 19q13.2.
Variant type: single nucleotide variant.
Coding change: c.1576+5G>A on transcript NM_000540.3 (MANE Select); 5 bases into the intron after coding-DNA position 1576, G replaced by A.
Molecular consequence: intron variant.
Genome position (GRCh38, 1-based): chr19:38,455,375, G>A. VCF-style: chr19-38455375-G-A. GRCh37 (hg19) VCF-style: chr19-38946015-G-A.
Other names: c.1576+5G>A (NM_001042723.2).
Identifiers: ClinVar variation 3387649 (VCV003387649.1).
Genomic context (GRCh38, chr19:38,455,375, plus strand): 5'-GGAGGAGGCAGCCGAGTCCTGGAAAGAGATTGTGAATCTTCTCTATGAACTCCTAGGTAG[G>A]GGTCCCAGTCCTGACTCCCCTGAGAACACCCCAGATCCCCAGTCCTATTGGATCTGACAC-3'